The following is an entry in ClinVar:

ClinVar aggregate classification (germline): Uncertain significance (1 of 4 stars; one submission).

Conditions:
Cardiovascular phenotype. Identifiers: MedGen CN230736.

Submission:

Ambry Genetics
Classification: Uncertain significance for Cardiovascular phenotype. Last evaluated: 2026-06-12. Review status: criteria provided, single submitter. Criteria: Ambry Variant Classification Scheme 2023. Collection method: clinical testing. Allele origin: germline.
Comment: The p.T98A variant (also known as c.292A>G), located in coding exon 2 of the CACNA1C gene, results from an A to G substitution at nucleotide position 292. The threonine at codon 98 is replaced by alanine, an amino acid with similar properties. This amino acid position is conserved. In addition, the in silico prediction for this alteration is inconclusive. Based on the available evidence, the clinical significance of this variant remains unclear.

NM_000719.7(CACNA1C):c.292A>G (p.Thr98Ala)

Gene: CACNA1C (calcium voltage-gated channel subunit alpha1 C; plus strand). Cytogenetic location: 12p13.33.
Variant type: single nucleotide variant.
Coding change: c.292A>G on transcript NM_000719.7 (MANE Select); coding-DNA position 292, A replaced by G.
Protein change: p.Thr98Ala; replaces threonine 98 with alanine.
Molecular consequence: missense variant.
Genome position (GRCh38, 1-based): chr12:2,115,466, A>G. VCF-style: chr12-2115466-A-G. GRCh37 (hg19) VCF-style: chr12-2224632-A-G.
Other names: c.292A>G, p.Thr98Ala (NM_001167625.2, NM_199460.4, NM_001129830.3 and 19 more transcripts); short protein forms T98A.
Identifiers: ClinVar variation 4868066 (VCV004868066.1).